The following is an entry in ClinVar:

ClinVar aggregate classification (germline): Uncertain significance (1 of 4 stars; one submission).

Allele frequency attached by ClinVar (database versions not stated): gnomAD exomes below 0.00001.
gnomAD v4.1: 2 of 1,204,941 alleles (0.00017%); highest among the groups gnomAD compares: Non-Finnish European, 0.00022%; no homozygotes.

Submission:

GeneDx
Classification: Uncertain significance. Last evaluated: 2016-02-15. Review status: criteria provided, single submitter. Criteria: GeneDx Variant Classification (06012015). Collection method: clinical testing. Allele origin: germline. Affected: yes.
Comment: The T7721I variant in the ATP2B3 gene has not been reported previously as a pathogenic variant, nor as a benign variant, to our knowledge. The T7721I variant was not observed in approximately 6,500 individuals of European and African American ancestry in the NHLBI Exome Sequencing Project, indicating it is not a common benign variant in these populations. The T7721I variant is a non-conservative amino acid substitution, which is likely to impact secondary protein structure as these residues differ in polarity, charge, size and/or other properties. This substitution occurs at a position that is conserved across species. In silico analysis is inconsistent in its predictions as to whether or not the variant is damaging to the protein structure/function. We interpret T7721I as a variant of uncertain significance

NM_001001344.3(ATP2B3):c.2315C>T (p.Thr772Ile)

Gene: ATP2B3 (ATPase plasma membrane Ca2+ transporting 3; plus strand). Cytogenetic location: Xq28.
Variant type: single nucleotide variant.
Coding change: c.2315C>T on transcript NM_001001344.3 (MANE Select); coding-DNA position 2315, C replaced by T.
Protein change: p.Thr772Ile; replaces threonine 772 with isoleucine.
Molecular consequence: missense variant.
Genome position (GRCh38, 1-based): chrX:153,556,407, C>T. VCF-style: chrX-153556407-C-T. GRCh37 (hg19) VCF-style: chrX-152821865-C-T.
Other names: c.2315C>T, p.Thr772Ile (NM_001388360.1, NM_001388361.1, NM_001388362.1 and 1 more transcripts); short protein forms T772I.
Identifiers: ClinVar variation 383390 (VCV000383390.2), dbSNP rs1057521610, ClinGen allele CA16608724.